The following is an entry in ClinVar:

ClinVar aggregate classification (germline): Conflicting classifications of pathogenicity. Review status: criteria provided, conflicting classifications (1 of 4 stars). 4 submissions from 4 submitters: Uncertain significance (2); Likely benign (2). Last evaluated 2025-10-06.

Conditions:
Inborn genetic diseases. Identifiers: MedGen C0950123, MeSH D030342.
Oculotrichoanal syndrome (MOTA). Also called: MARLES SYNDROME; Manitoba Oculotrichoanal (MOTA) Syndrome. Identifiers: Orphanet 2717, MedGen C1855425, MONDO:0009560, OMIM 248450.

Allele frequency attached by ClinVar (database versions not stated): gnomAD 0.00004 and 0.00005; TOPMed 0.00017; 1000 Genomes Project 0.00040; ExAC 0.00041; gnomAD exomes 0.00050.
gnomAD v4.1: 142 of 1,609,010 alleles (0.0088%); highest among the groups gnomAD compares: Admixed American, 0.22%; 1 homozygote.

Submissions (4):

Labcorp Genetics (formerly Invitae), Labcorp
Classification: Likely benign. Last evaluated: 2025-10-06. Review status: criteria provided, single submitter. Criteria: Invitae Variant Classification Sherloc (09022015). Collection method: clinical testing. Allele origin: germline.

Ambry Genetics
Classification: Uncertain significance for Inborn genetic diseases. Last evaluated: 2021-07-20. Review status: criteria provided, single submitter. Criteria: Ambry Variant Classification Scheme 2023. Collection method: clinical testing. Allele origin: germline.

Illumina Laboratory Services, Illumina
Classification: Likely benign for Oculotrichoanal syndrome. Last evaluated: 2018-01-13. Review status: criteria provided, single submitter. Criteria: ICSL Variant Classification Criteria 13 December 2019. Collection method: clinical testing. Allele origin: germline.
Comment: This variant was observed in the ICSL laboratory as part of a predisposition screen in an ostensibly healthy population. It had not been previously curated by ICSL or reported in the Human Gene Mutation Database (HGMD: prior to June 1st, 2018), and was therefore a candidate for classification through an automated scoring system. Utilizing variant allele frequency, disease prevalence and penetrance estimates, and inheritance mode, an automated score was calculated to assess if this variant is too frequent to cause the disease. Based on the score and internal cut-off values, a variant classified as likely benign is not then subjected to further curation. The score for this variant resulted in a classification of likely benign for this disease.

Eurofins Ntd Llc (ga)
Classification: Uncertain significance. Last evaluated: 2016-08-04. Review status: criteria provided, single submitter. Criteria: EGL Classification Definitions 2015. Collection method: clinical testing. Allele origin: germline. Observed: 1 variant allele, 1 heterozygote.

NM_001379081.2(FREM1):c.3932T>C (p.Ile1311Thr)

Gene: FREM1 (FRAS1 related extracellular matrix 1; minus strand). Cytogenetic location: 9p22.3.
Variant type: single nucleotide variant.
Coding change: c.3932T>C on transcript NM_001379081.2 (MANE Select); coding-DNA position 3932, T replaced by C.
Protein change: p.Ile1311Thr; replaces isoleucine 1311 with threonine.
Molecular consequence: missense variant. On other transcripts: non-coding transcript variant (2).
Genome position (GRCh38, 1-based): chr9:14,792,792, A>G on the plus strand (T>C on the coding strand, the complement: FREM1 is on the minus strand). VCF-style: chr9-14792792-A-G. GRCh37 (hg19) VCF-style: chr9-14792790-A-G.
Other names: c.3932T>C, p.Ile1311Thr (NM_144966.7); short protein forms I1311T.
Identifiers: ClinVar variation 289292 (VCV000289292.17), dbSNP rs182527895, ClinGen allele CA4990363.